The following is an entry in ClinVar:

ClinVar aggregate classification (germline): Uncertain significance. Review status: criteria provided, multiple submitters, no conflicts (2 of 4 stars). 3 submissions from 3 submitters: Uncertain significance (3). Last evaluated 2025-12-11.

Conditions:
PYGM-related disorder. Also called: PYGM-related condition.
Inborn genetic diseases. Identifiers: MedGen C0950123, MeSH D030342.

Allele frequency attached by ClinVar (database versions not stated): TOPMed 0.00007; gnomAD exomes 0.00001 and 0.00002; ExAC 0.00002; gnomAD 0.00003 and 0.00004.
gnomAD v4.1: 14 of 1,612,456 alleles (0.00087%); highest among the groups gnomAD compares: African/African-American, 0.016%; no homozygotes.

Submissions (3):

Ambry Genetics
Classification: Uncertain significance for Inborn genetic diseases. Last evaluated: 2025-12-11. Review status: criteria provided, single submitter. Criteria: Ambry Variant Classification Scheme 2023. Collection method: clinical testing. Allele origin: germline.

PreventionGenetics, part of Exact Sciences
Classification: Uncertain significance for PYGM-related condition. Last evaluated: 2025-08-17. Review status: criteria provided, single submitter. Criteria: ACMG Guidelines, 2015. Collection method: clinical testing. Allele origin: germline.
Comment: The PYGM c.1507G>A variant is predicted to result in the amino acid substitution p.Val503Ile. To our knowledge, this variant has not been reported in the literature. This variant is reported in 0.028% of alleles in individuals of African descent in gnomAD. At this time, the clinical significance of this variant is uncertain due to the absence of conclusive functional and genetic evidence.

GeneDx
Classification: Uncertain significance. Last evaluated: 2020-02-04. Review status: criteria provided, single submitter. Criteria: GeneDx Variant Classification Process June 2021. Collection method: clinical testing. Allele origin: germline. Affected: yes.
Comment: Missense variants in this gene are often considered pathogenic (Stenson et al., 2014); In silico analysis supports that this missense variant does not alter protein structure/function; Has not been previously published as pathogenic or benign to our knowledge

NM_005609.4(PYGM):c.1507G>A (p.Val503Ile)

Gene: PYGM (glycogen phosphorylase, muscle associated; minus strand). Cytogenetic location: 11q13.1.
Variant type: single nucleotide variant.
Coding change: c.1507G>A on transcript NM_005609.4 (MANE Select); coding-DNA position 1507, G replaced by A.
Protein change: p.Val503Ile; replaces valine 503 with isoleucine.
Molecular consequence: missense variant.
Genome position (GRCh38, 1-based): chr11:64,753,084, C>T on the plus strand (G>A on the coding strand, the complement: PYGM is on the minus strand). VCF-style: chr11-64753084-C-T. GRCh37 (hg19) VCF-style: chr11-64520556-C-T.
Other names: c.1507G>A (NM_005609.3); c.1243G>A, p.Val415Ile (NM_001164716.1); short protein forms V415I, V503I.
Identifiers: ClinVar variation 1314796 (VCV001314796.6), dbSNP rs149932883, ClinGen allele CA6079845.